The following is an entry in ClinVar:

ClinVar aggregate classification (germline): Benign. Review status: criteria provided, multiple submitters, no conflicts (2 of 4 stars). 3 submissions from 3 submitters: Benign (2). 1 of the submissions does not count toward it. Last evaluated 2023-11-27.

Conditions:
RARB-related disorder. Also called: RARB-related condition.
Microphthalmia, syndromic 12 (MCOPS12). Also called: MICROPHTHALMIA WITH OR WITHOUT PULMONARY HYPOPLASIA, DIAPHRAGMATIC HERNIA, AND/OR CARDIAC DEFECTS. Identifiers: Orphanet 2470, Orphanet 689829, MedGen C3809803, MONDO:0014229, OMIM 615524.

Allele frequency attached by ClinVar (database versions not stated): gnomAD 0.00036 and 0.00059; gnomAD exomes 0.00041 and 0.00162; TOPMed 0.00091; ExAC 0.00146; 1000 Genomes Project 0.00260; 1000 Genomes Project 30x 0.00328.
gnomAD v4.1: 710 of 1,613,848 alleles (0.044%); highest among the groups gnomAD compares: East Asian, 1.1%; 11 homozygotes.

Submissions (3):

Labcorp Genetics (formerly Invitae), Labcorp
Classification: Benign for Microphthalmia, syndromic 12. Last evaluated: 2023-11-27. Review status: criteria provided, single submitter. Criteria: Invitae Variant Classification Sherloc (09022015). Collection method: clinical testing. Allele origin: germline.

Breakthrough Genomics
Classification: Benign. Review status: criteria provided, single submitter. Criteria: ACMG Guidelines, 2015. Collection method: not provided. Allele origin: germline. Inheritance: Autosomal dominant inheritance. Affected: yes.

PreventionGenetics, part of Exact Sciences
Classification: Benign for RARB-related condition. Last evaluated: 2019-04-16. Review status: no assertion criteria provided. Collection method: clinical testing. Allele origin: germline. Not counted in ClinVar's aggregate classification.
Comment: This variant is classified as benign based on ACMG/AMP sequence variant interpretation guidelines (Richards et al. 2015 PMID: 25741868, with internal and published modifications).

NM_000965.5(RARB):c.270G>A (p.Gly90=)

Gene: RARB (retinoic acid receptor beta; plus strand). Cytogenetic location: 3p24.2.
Variant type: single nucleotide variant.
Coding change: c.270G>A on transcript NM_000965.5 (MANE Select); coding-DNA position 270, G replaced by A.
Protein change: p.Gly90=; no amino-acid change (glycine 90 retained).
Molecular consequence: synonymous variant. On other transcripts: 5 prime UTR variant (3), non-coding transcript variant (2).
Genome position (GRCh38, 1-based): chr3:25,461,305, G>A. VCF-style: chr3-25461305-G-A. GRCh37 (hg19) VCF-style: chr3-25502796-G-A.
Other names: c.291G>A, p.Gly97= (NM_001290216.3); c.-67G>A (NM_001290217.2, NM_001290276.2, NM_016152.4); c.123G>A, p.Gly41= (NM_001290266.2); c.270G>A, p.Gly90= (NM_001290277.1); c.141G>A, p.Gly47= (NM_001290300.2).
Identifiers: ClinVar variation 772966 (VCV000772966.13), dbSNP rs116825683, ClinGen allele CA2287644.